The following is an entry in ClinVar:

ClinVar aggregate classification (germline): Pathogenic. Review status: criteria provided, multiple submitters, no conflicts (2 of 4 stars). 9 submissions from 9 submitters: Pathogenic (8). 1 of the submissions does not count toward it. Last evaluated 2026-01-30.

Conditions:
NDUFS4-related disorders.
Mitochondrial complex I deficiency, nuclear type 1. Also called: NADH-COENZYME Q REDUCTASE DEFICIENCY; MITOCHONDRIAL NADH DEHYDROGENASE COMPONENT OF COMPLEX I, DEFICIENCY OF. Identifiers: MedGen C6022305, MONDO:0100224, OMIM 252010.
Inborn genetic diseases. Identifiers: MedGen C0950123, MeSH D030342.
Leigh syndrome (NULS). Also called: Leigh Syndrome (mtDNA deletion); Leigh Disease; Leigh's necrotizing encephalopathy; Leigh's disease; Leigh's syndrome; Subacute necrotizing encephalopathy. Identifiers: Orphanet 506, MedGen C2931891, MONDO:0009723, OMIM 256000.

Submissions (9):

Dasa
Classification: Pathogenic. Last evaluated: 2026-01-30. Review status: criteria provided, single submitter. Criteria: DASA Assertion Criteria. Collection method: clinical testing. Allele origin: germline.
Comment: NM_002495.4(NDUFS4):c.462del (p.Lys154Asnfs*35) introduces a premature termination codon predicted to result in loss of normal protein function. Loss-of-function is an established mechanism of disease for this gene. Segregation evidence has been reported in affected families. This variant has been recurrently observed in affected individuals with related phenotype in a genotype context consistent with recessive disease (PMID: 19364667; PMID: 24020637; PMID: 19107570; PMID: 40110048). Functional evidence supports a deleterious effect on the gene or gene product (PMID: 19364667; PMID: 24020637; PMID: 19107570; PMID: 40110048). The variant is present at low frequency in population datasets. Based on the available data, this variant is classified as pathogenic.

Women's Health and Genetics/Laboratory Corporation of America, LabCorp
Classification: Pathogenic for Leigh syndrome. Last evaluated: 2025-03-03. Review status: criteria provided, single submitter. Criteria: LabCorp Variant Classification Summary - May 2015. Collection method: clinical testing. Allele origin: germline.
Comment: Variant summary: NDUFS4 c.462delA (p.Lys154AsnfsX35) causes a frameshift which results in an extension of the protein. The variant allele was found at a frequency of 8.4e-05 in 260860 control chromosomes. This frequency is not significantly higher than estimated for a pathogenic variant in NDUFS4 causing Leigh Syndrome (8.4e-05 vs 0.0013), allowing no conclusion about variant significance. c.462delA has been reported in the literature in multiple individuals affected with Leigh Syndrome. These data indicate that the variant is very likely to be associated with disease. At least one publication reports experimental evidence evaluating an impact on protein function. The most pronounced variant effect results in <10% of normal activity. The following publications have been ascertained in the context of this evaluation (PMID: 19107570, 20818383, 19364667, 24020637). ClinVar contains an entry for this variant (Variation ID: 40257). Based on the evidence outlined above, the variant was classified as pathogenic.

Centre of Medical Genetics, University Hospital Muenster
Classification: Pathogenic. Last evaluated: 2024-07-15. Review status: criteria provided, single submitter. Criteria: ACMG Guidelines, 2015. Collection method: clinical testing. Allele origin: unknown. Affected: yes. Observed: 1 variant allele, 1 heterozygote.
Comment: ACMG categories: PVS1,PM2,PM3,PP5

Blueprint Genetics
Classification: Pathogenic for NDUFS4-related disorders. Last evaluated: 2024-05-29. Review status: criteria provided, single submitter. Criteria: ACMG Guidelines, 2015. Collection method: clinical testing. Allele origin: germline. Affected: yes. Observed: 5 variant alleles.

Baylor Genetics
Classification: Pathogenic for Mitochondrial complex I deficiency, nuclear type 1. Last evaluated: 2024-03-17. Review status: criteria provided, single submitter. Criteria: ACMG Guidelines, 2015. Collection method: clinical testing. Allele origin: unknown.

Labcorp Genetics (formerly Invitae), Labcorp
Classification: Pathogenic. Last evaluated: 2024-03-17. Review status: criteria provided, single submitter. Criteria: Invitae Variant Classification Sherloc (09022015). Collection method: clinical testing. Allele origin: germline.
Comment: This sequence change results in a frameshift in the NDUFS4 gene (p.Lys154Asnfs*35). While this is not anticipated to result in nonsense mediated decay, it is expected to disrupt the last 22 amino acid(s) of the NDUFS4 protein and extend the protein by 12 additional amino acid residues. This variant is present in population databases (rs773369163, gnomAD 0.02%). This frameshift has been observed in individuals with Leigh syndrome (PMID: 19107570, 19364667, 20818383, 24020637). It has also been observed to segregate with disease in related individuals. ClinVar contains an entry for this variant (Variation ID: 40257). Studies have shown that this frameshift alters NDUFS4 gene expression (PMID: 24020637). For these reasons, this variant has been classified as Pathogenic.

GeneDx
Classification: Pathogenic. Last evaluated: 2023-02-24. Review status: criteria provided, single submitter. Criteria: GeneDx Variant Classification Process June 2021. Collection method: clinical testing. Allele origin: germline. Affected: yes.
Comment: Frameshift variant predicted to result in protein truncation or nonsense mediated decay in a gene for which loss-of-function is a known mechanism of disease; This variant is associated with the following publications: (PMID: 19107570, 24020637, 19364667, 22326555, 33233646, 33771987, 31589614, 20818383)

Ambry Genetics
Classification: Pathogenic for Inborn genetic diseases. Last evaluated: 2021-04-20. Review status: criteria provided, single submitter. Criteria: Ambry Variant Classification Scheme 2023. Collection method: clinical testing. Allele origin: germline.
Comment: The c.462delA (p.K154Nfs*35) alteration, located in exon 5 (coding exon 5) of the NDUFS4 gene, consists of a deletion of one nucleotide at position 462, causing a translational frameshift with a predicted alternate stop codon after 35 amino acids. This alteration occurs at the 3' terminus of the NDUFS4 gene, is not expected to trigger nonsense-mediated mRNA decay and results in the elongation of the protein by 12 amino acids. This frameshift impacts the last 22 amino acids of the native protein. However, frameshifts are typically deleterious in nature and the impacted region is critical for protein function (Ambry internal data). This mutation has been reported in multiple individuals with Leigh syndrome in the homozygous and compound heterozygous states (Anderson, 2008; Leshinsky-Silver, 2009; Calvo, 2010; Assereto, 2014). In one family, three affected siblings were homozygous and the parents and a healthy sibling were heterozygous (Anderson, 2008). Based on the available evidence, this alteration is classified as pathogenic.

OMIM
Classification: Pathogenic for MITOCHONDRIAL COMPLEX I DEFICIENCY, NUCLEAR TYPE 1. Last evaluated: 2014-07-01. Review status: no assertion criteria provided. Collection method: literature only. Allele origin: germline. Not counted in ClinVar's aggregate classification.

Literature cited by the submitters: PubMed 19364667 (cited by 4 submitters); PubMed 24020637 (cited by 5 submitters); PubMed 19107570 (cited by 5 submitters); PubMed 40110048 (cited by Dasa); PubMed 20818383 (cited by 3 submitters).

NM_002495.4(NDUFS4):c.462del (p.Lys154fs)

Gene: NDUFS4 (NADH:ubiquinone oxidoreductase subunit S4; plus strand). Cytogenetic location: 5q11.2.
Variant type: Deletion.
Coding change: c.462del on transcript NM_002495.4 (MANE Select); coding-DNA position 462, one base deleted (A; older notation c.462delA).
Protein change: p.Lys154fs; shifts the reading frame from lysine 154.
Molecular consequence: frameshift variant. On other transcripts: 3 prime UTR variant (1), non-coding transcript variant (3).
Genome position (GRCh38, 1-based): chr5:53,683,155, A deleted; the last of 4 consecutive A bases (chr5:53,683,152-53,683,155); deleting any one gives the same sequence. VCF-style (leftmost placement, unchanged base first): chr5-53683151-CA-C. GRCh37 (hg19) VCF-style: chr5-52978981-CA-C.
Other names: c.*25del (NM_001318051.2); c.462delA (NM_002495.2, NM_002495.4); short protein forms K154fs.
Identifiers: ClinVar variation 40257 (VCV000040257.17), dbSNP rs587776949, ClinGen allele CA130809.
Genomic context (GRCh38, chr5:53,683,151, plus strand): 5'-GGATTTGTCTTTGTTTTTTCCTCCTAGGATGGAGCTATGACATTGAAGAGAGGAAGGTTC[CA>C]AAACCCAAGTCCAAGTCTTATGGTGCAAACTTTTCTTGGAACAAAAGAACAAGAGTATCC-3'